The following is an entry in ClinVar:

NM_001447.3(FAT2):c.11260G>A (p.Ala3754Thr)

Genes: FAT2 (FAT atypical cadherin 2; minus strand), SLC36A1 (solute carrier family 36 member 1; plus strand). Cytogenetic location: 5q33.1.
Variant type: single nucleotide variant.
Coding change: c.11260G>A on transcript NM_001447.3 (MANE Select); coding-DNA position 11260, G replaced by A.
Protein change: p.Ala3754Thr; replaces alanine 3754 with threonine.
Molecular consequence: missense variant.
Genome position (GRCh38, 1-based): chr5:151,521,333, C>T on the plus strand (G>A on the coding strand, the complement: FAT2 is on the minus strand). VCF-style: chr5-151521333-C-T. GRCh37 (hg19) VCF-style: chr5-150900894-C-T.
Other names: short protein forms A3754T.
Identifiers: ClinVar variation 2634873 (VCV002634873.1), dbSNP rs756014540, ClinGen allele CA3520062.
Genomic context (GRCh38, chr5:151,521,333, plus strand): 5'-TACCATTGCAGGAGCAGCTCCTCTGCAGGTGGTGCCGCGGGGTTAGGATGCTGAGCCTGG[C>T]GGTGCTGTACGTGGGCCCAACCTTGGGGTCCAGATGCACTGTGTTATGGCAGATTTGACC-3'
Protein context (NP_001438.1, residues 3744-3764): DPKVGPTYST[Ala3754Thr]RLSILTPRHH

ClinVar aggregate classification (germline): Uncertain significance (1 of 4 stars; one submission).

Conditions:
FAT2-related disorder. Also called: FAT2-related condition.

Allele frequency attached by ClinVar (database versions not stated): gnomAD 0.00003; gnomAD exomes 0.00004; ExAC 0.00007.
gnomAD v4.1: 55 of 1,613,740 alleles (0.0034%); highest among the groups gnomAD compares: Admixed American, 0.0083%; no homozygotes.

Submission:

PreventionGenetics, part of Exact Sciences
Classification: Uncertain significance for FAT2-related condition. Last evaluated: 2022-08-23. Review status: criteria provided, single submitter. Criteria: ACMG Guidelines, 2015. Collection method: clinical testing. Allele origin: germline.
Comment: The FAT2 c.11260G>A variant is predicted to result in the amino acid substitution p.Ala3754Thr. To our knowledge, this variant has not been reported in the literature. This variant is reported in 0.016% of alleles in individuals of African descent in gnomAD. At this time, the clinical significance of this variant is uncertain due to the absence of conclusive functional and genetic evidence.